The following is an entry in ClinVar:

NM_201599.3(ZMYM3):c.1830A>C (p.Gln610His)

Gene: ZMYM3 (zinc finger MYM-type containing 3; minus strand). Cytogenetic location: Xq13.1.
Variant type: single nucleotide variant.
Coding change: c.1830A>C on transcript NM_201599.3 (MANE Select); coding-DNA position 1830, A replaced by C.
Protein change: p.Gln610His; replaces glutamine 610 with histidine.
Molecular consequence: missense variant.
Genome position (GRCh38, 1-based): chrX:71,248,307, T>G on the plus strand (A>C on the coding strand, the complement: ZMYM3 is on the minus strand). VCF-style: chrX-71248307-T-G. GRCh37 (hg19) VCF-style: chrX-70468157-T-G.
Other names: c.1830A>C, p.Gln610His (NM_001171162.1, NM_005096.3); short protein forms Q610H.
Identifiers: ClinVar variation 2629487 (VCV002629487.1), dbSNP rs1221460658, ClinGen allele CA413515513.

ClinVar aggregate classification (germline): Uncertain significance (1 of 4 stars; one submission).

Conditions:
ZMYM3-related disorder. Also called: ZMYM3-related condition.

Allele frequency attached by ClinVar (database versions not stated): gnomAD exomes below 0.00001; TOPMed below 0.00001; gnomAD 0.00001.

Submission:

PreventionGenetics, part of Exact Sciences
Classification: Uncertain significance for ZMYM3-related condition. Last evaluated: 2023-06-29. Review status: criteria provided, single submitter. Criteria: ACMG Guidelines, 2015. Collection method: clinical testing. Allele origin: germline.
Comment: The ZMYM3 c.1830A>C variant is predicted to result in the amino acid substitution p.Gln610His. To our knowledge, this variant has not been reported in the literature or in a large population database, indicating this variant is rare. At this time, the clinical significance of this variant is uncertain due to the absence of conclusive functional and genetic evidence.